The following is an entry in ClinVar:

ClinVar aggregate classification (germline): Pathogenic/Likely pathogenic. Review status: criteria provided, multiple submitters, no conflicts (2 of 4 stars). 2 submissions from 2 submitters: Pathogenic (1); Likely pathogenic (1). Last evaluated 2023-11-22.

Conditions:
Retinitis pigmentosa 25 (RP25). Identifiers: Orphanet 791, MedGen C1864446, MONDO:0011272, OMIM 602772.

Allele frequency attached by ClinVar (database versions not stated): gnomAD exomes 0.00001.
gnomAD v4.1: 5 of 1,612,902 alleles (0.00031%); highest among the groups gnomAD compares: Non-Finnish European, 0.00042%; no homozygotes.

Submissions (2):

Baylor Genetics
Classification: Likely pathogenic for Retinitis pigmentosa 25. Last evaluated: 2023-11-22. Review status: criteria provided, single submitter. Criteria: ACMG Guidelines, 2015. Collection method: clinical testing. Allele origin: unknown.

Labcorp Genetics (formerly Invitae), Labcorp
Classification: Pathogenic. Last evaluated: 2023-02-15. Review status: criteria provided, single submitter. Criteria: Invitae Variant Classification Sherloc (09022015). Collection method: clinical testing. Allele origin: germline.
Comment: This sequence change creates a premature translational stop signal (p.Trp481*) in the EYS gene. It is expected to result in an absent or disrupted protein product. Loss-of-function variants in EYS are known to be pathogenic (PMID: 18836446, 20333770). This variant is not present in population databases (gnomAD no frequency). This variant has not been reported in the literature in individuals affected with EYS-related conditions. For these reasons, this variant has been classified as Pathogenic.

Literature cited by the submitters: PubMed 18836446 (cited by Labcorp Genetics (formerly Invitae), Labcorp); PubMed 20333770 (cited by Labcorp Genetics (formerly Invitae), Labcorp).

NM_001142800.2(EYS):c.1443G>A (p.Trp481Ter)

Gene: EYS (EGF-like photoreceptor maintenance factor; minus strand). Cytogenetic location: 6q12.
Variant type: single nucleotide variant.
Coding change: c.1443G>A on transcript NM_001142800.2 (MANE Select); coding-DNA position 1443, G replaced by A.
Protein change: p.Trp481Ter; replaces tryptophan 481 with a stop codon.
Molecular consequence: nonsense.
Genome position (GRCh38, 1-based): chr6:65,353,474, C>T on the plus strand (G>A on the coding strand, the complement: EYS is on the minus strand). VCF-style: chr6-65353474-C-T. GRCh37 (hg19) VCF-style: chr6-66063367-C-T.
Other names: c.1443G>A, p.Trp481Ter (NM_001142801.2, NM_001292009.2, NM_198283.2); short protein forms W481*.
Identifiers: ClinVar variation 2895351 (VCV002895351.4), dbSNP rs2533202503, ClinGen allele CA364661635.